The following is an entry in ClinVar:

NM_080473.5(GATA5):c.782A>T (p.Glu261Val)

Gene: GATA5 (GATA binding protein 5; minus strand). Cytogenetic location: 20q13.33.
Variant type: single nucleotide variant.
Coding change: c.782A>T on transcript NM_080473.5 (MANE Select); coding-DNA position 782, A replaced by T.
Protein change: p.Glu261Val; replaces glutamic acid 261 with valine.
Molecular consequence: missense variant.
Genome position (GRCh38, 1-based): chr20:62,466,469, T>A on the plus strand (A>T on the coding strand, the complement: GATA5 is on the minus strand). VCF-style: chr20-62466469-T-A. GRCh37 (hg19) VCF-style: chr20-61041525-T-A.
Other names: c.782A>T (NM_080473.4); short protein forms E261V.
Identifiers: ClinVar variation 2193795 (VCV002193795.6), dbSNP rs781880140, ClinGen allele CA9946197.

ClinVar aggregate classification (germline): Uncertain significance. Review status: criteria provided, multiple submitters, no conflicts (2 of 4 stars). 2 submissions from 2 submitters: Uncertain significance (2). Last evaluated 2025-03-04.

Allele frequency attached by ClinVar (database versions not stated): gnomAD 0.00001; TOPMed 0.00001; ExAC 0.00003.
gnomAD v4.1: 29 of 1,581,668 alleles (0.0018%); highest among the groups gnomAD compares: Non-Finnish European, 0.0024%; no homozygotes.

Submissions (2):

Labcorp Genetics (formerly Invitae), Labcorp
Classification: Uncertain significance. Last evaluated: 2025-03-04. Review status: criteria provided, single submitter. Criteria: Invitae Variant Classification Sherloc (09022015). Collection method: clinical testing. Allele origin: germline.
Comment: This sequence change replaces glutamic acid, which is acidic and polar, with valine, which is neutral and non-polar, at codon 261 of the GATA5 protein (p.Glu261Val). The frequency data for this variant in the population databases is considered unreliable, as metrics indicate poor data quality at this position in the gnomAD database. This variant has not been reported in the literature in individuals affected with GATA5-related conditions. ClinVar contains an entry for this variant (Variation ID: 2193795). Invitae Evidence Modeling of protein sequence and biophysical properties (such as structural, functional, and spatial information, amino acid conservation, physicochemical variation, residue mobility, and thermodynamic stability) indicates that this missense variant is expected to disrupt GATA5 protein function with a positive predictive value of 80%. In summary, the available evidence is currently insufficient to determine the role of this variant in disease. Therefore, it has been classified as a Variant of Uncertain Significance.

Ambry Genetics
Classification: Uncertain significance. Last evaluated: 2023-05-24. Review status: criteria provided, single submitter. Criteria: Ambry Variant Classification Scheme 2023. Collection method: clinical testing. Allele origin: germline.